The following is an entry in ClinVar:

ClinVar aggregate classification (germline): Conflicting classifications of pathogenicity. Review status: criteria provided, conflicting classifications (1 of 4 stars). 5 submissions from 5 submitters: Pathogenic (1); Likely pathogenic (2); Uncertain significance (2). Last evaluated 2025-08-04.

Conditions:
Houge-Janssens syndrome 2. Also called: PPP2R1A-Related Neurodevelopmental Disorder; INTELLECTUAL DEVELOPMENTAL DISORDER, AUTOSOMAL DOMINANT 36; Microcephaly-corpus callosum hypoplasia-intellectual disability-facial dysmorphism syndrome. Identifiers: Orphanet 457284, MedGen C4225352, MONDO:0014605, OMIM 616362.

Submissions (5):

GeneDx
Classification: Pathogenic. Last evaluated: 2025-08-04. Review status: criteria provided, single submitter. Criteria: GeneDx Variant Classification Process June 2021. Collection method: clinical testing. Allele origin: germline. Affected: yes.
Comment: In silico analysis supports that this missense variant has a deleterious effect on protein structure/function; Not observed at significant frequency in large population cohorts (gnomAD); This variant is associated with the following publications: (PMID: 36980980)

Women's Health and Genetics/Laboratory Corporation of America, LabCorp
Classification: Uncertain significance. Last evaluated: 2023-04-14. Review status: criteria provided, single submitter. Criteria: LabCorp Variant Classification Summary - May 2015. Collection method: clinical testing. Allele origin: germline.
Comment: Variant summary: PPP2R1A c.655T>C (p.Ser219Pro) results in a non-conservative amino acid change in the encoded protein sequence. Four of five in-silico tools predict a damaging effect of the variant on protein function. The variant was absent in 230734 control chromosomes (gnomAD). The available data on variant occurrences in the general population are insufficient to allow any conclusion about variant significance. To our knowledge, no occurrence of c.655T>C in individuals affected with Mental Retardation, Autosomal Dominant 36 and no experimental evidence demonstrating its impact on protein function have been reported. Three submitters have provided clinical-significance assessments for this variant to ClinVar after 2014 without evidence for independent evaluation and classified the variant as either likely pathogenic (n=2) or VUS (n=1). Based on the evidence outlined above, the variant was classified as uncertain significance.

Genetics Laboratory, UDIAT-Centre Diagnòstic, Hospital Universitari Parc Tauli
Classification: Likely pathogenic. Last evaluated: 2021-04-26. Review status: criteria provided, single submitter. Criteria: Parc Tauli Hospital Assertion Criteria 2021. Collection method: clinical testing. Allele origin: de novo. Inheritance: Autosomal dominant inheritance. Affected: yes. Observed: 1 heterozygote.
Comment: PM1_moderate;PM2_supporting;PM6_moderate;PP2_supporting;PP3_supporting

Laboratory of Molecular Genetics (Pr. Bezieau's lab), CHU de Nantes
Classification: Likely pathogenic. Last evaluated: 2019-05-17. Review status: criteria provided, single submitter. Criteria: ACMG Guidelines, 2015. Collection method: clinical testing. Allele origin: germline. Affected: yes.

Centre for Mendelian Genomics, University Medical Centre Ljubljana
Classification: Uncertain significance for Houge-Janssens syndrome 2. Last evaluated: 2019-04-17. Review status: criteria provided, single submitter. Criteria: ACMG Guidelines, 2015. Collection method: clinical testing. Allele origin: unknown. Affected: yes.
Comment: This variant was classified as: Uncertain significance. The available evidence favors the pathogenic nature of this variant, however the currently available data is insufficient to conclusively support its pathogenic nature. Thus this variant is classified as Uncertain significance - favor pathogenic. The following ACMG criteria were applied in classifying this variant: PM2,PM6,PP3.

NM_014225.6(PPP2R1A):c.655T>C (p.Ser219Pro)

Gene: PPP2R1A (protein phosphatase 2 scaffold subunit Aalpha; plus strand). Cytogenetic location: 19q13.41.
Variant type: single nucleotide variant.
Coding change: c.655T>C on transcript NM_014225.6 (MANE Select); coding-DNA position 655, T replaced by C.
Protein change: p.Ser219Pro; replaces serine 219 with proline.
Molecular consequence: missense variant. On other transcripts: non-coding transcript variant (1).
Genome position (GRCh38, 1-based): chr19:52,212,958, T>C. VCF-style: chr19-52212958-T-C. GRCh37 (hg19) VCF-style: chr19-52716211-T-C.
Other names: c.118T>C, p.Ser40Pro (NM_001363656.2); short protein forms S219P, S40P.
Identifiers: ClinVar variation 916077 (VCV000916077.8), dbSNP rs2089686081, ClinGen allele CA407184265.